The following is an entry in ClinVar:

NM_001854.4(COL11A1):c.2611-19_2611-18delinsCC

Gene: COL11A1 (collagen type XI alpha 1 chain; minus strand). Cytogenetic location: 1p21.1.
Variant type: Indel.
Coding change: c.2611-19_2611-18delinsCC on transcript NM_001854.4 (MANE Select); 19 bases into the intron before coding-DNA position 2611 through 18 bases into the intron before coding-DNA position 2611, AT replaced by CC.
Molecular consequence: intron variant.
Genome position (GRCh38, 1-based): chr1:102,979,122-102,979,123, AT replaced by GG on the plus strand (AT replaced by CC on the coding strand, the reverse complement: COL11A1 is on the minus strand). VCF-style: chr1-102979122-AT-GG. GRCh37 (hg19) VCF-style: chr1-103444678-AT-GG.
Other names: c.2494-19_2494-18delinsCC (NM_001190709.2); c.2647-19_2647-18delinsCC (NM_080629.3); c.2263-19_2263-18delinsCC (NM_080630.4).
Identifiers: ClinVar variation 2010990 (VCV002010990.4), dbSNP rs2525113489, ClinGen allele CA2580060742.

ClinVar aggregate classification (germline): Uncertain significance (1 of 4 stars; one submission).

Submission:

Labcorp Genetics (formerly Invitae), Labcorp
Classification: Uncertain significance. Last evaluated: 2022-06-27. Review status: criteria provided, single submitter. Criteria: Invitae Variant Classification Sherloc (09022015). Collection method: clinical testing. Allele origin: germline.
Comment: In summary, the available evidence is currently insufficient to determine the role of this variant in disease. Therefore, it has been classified as a Variant of Uncertain Significance. Experimental studies and prediction algorithms are not available or were not evaluated, and the effect of this variant on mRNA splicing is currently unknown. This variant has not been reported in the literature in individuals affected with COL11A1-related conditions. Information on the frequency of this variant in the gnomAD database is not available, as this variant may be reported differently in the database. This sequence change falls in intron 32 of the COL11A1 gene. It does not directly change the encoded amino acid sequence of the COL11A1 protein.